The following is an entry in ClinVar:

ClinVar aggregate classification (germline): Uncertain significance (1 of 4 stars; one submission).

Conditions:
Fanconi anemia (FA). Also called: Fanconi's anemia. Identifiers: Orphanet 84, MedGen C0015625, MeSH D005199, MONDO:0019391.

Allele frequency attached by ClinVar (database versions not stated): gnomAD 0.00001; TOPMed 0.00002; gnomAD exomes 0.00004.
gnomAD v4.1: 39 of 1,209,269 alleles (0.0032%); highest among the groups gnomAD compares: Non-Finnish European, 0.0044%; no homozygotes.

Submission:

Labcorp Genetics (formerly Invitae), Labcorp
Classification: Uncertain significance for Fanconi anemia. Last evaluated: 2025-05-11. Review status: criteria provided, single submitter. Criteria: Invitae Variant Classification Sherloc (09022015). Collection method: clinical testing. Allele origin: germline.
Comment: This sequence change replaces isoleucine, which is neutral and non-polar, with phenylalanine, which is neutral and non-polar, at codon 176 of the FANCB protein (p.Ile176Phe). This variant is present in population databases (no rsID available, gnomAD 0.02%). This variant has not been reported in the literature in individuals affected with FANCB-related conditions. ClinVar contains an entry for this variant (Variation ID: 1447639). Invitae Evidence Modeling of protein sequence and biophysical properties (such as structural, functional, and spatial information, amino acid conservation, physicochemical variation, residue mobility, and thermodynamic stability) indicates that this missense variant is expected to disrupt FANCB protein function with a positive predictive value of 80%. In summary, the available evidence is currently insufficient to determine the role of this variant in disease. Therefore, it has been classified as a Variant of Uncertain Significance.

NM_001018113.3(FANCB):c.526A>T (p.Ile176Phe)

Gene: FANCB (FA complementation group B; minus strand). Cytogenetic location: Xp22.2.
Variant type: single nucleotide variant.
Coding change: c.526A>T on transcript NM_001018113.3 (MANE Select); coding-DNA position 526, A replaced by T.
Protein change: p.Ile176Phe; replaces isoleucine 176 with phenylalanine.
Molecular consequence: missense variant.
Genome position (GRCh38, 1-based): chrX:14,864,985, T>A on the plus strand (A>T on the coding strand, the complement: FANCB is on the minus strand). VCF-style: chrX-14864985-T-A. GRCh37 (hg19) VCF-style: chrX-14883107-T-A.
Other names: c.526A>T, p.Ile176Phe (NM_001324162.2, NM_152633.4); short protein forms I176F.
Identifiers: ClinVar variation 1447639 (VCV001447639.7), dbSNP rs1208436363, ClinGen allele CA412444308.